The following is an entry in ClinVar:

ClinVar aggregate classification (germline): Pathogenic. Review status: criteria provided, multiple submitters, no conflicts (2 of 4 stars). 2 submissions from 2 submitters: Pathogenic (2). Last evaluated 2024-02-28.

Conditions:
Global developmental delay (DD). Also called: Cognitive delay. Identifiers: MedGen C0557874, HP:0001263. Disease mechanism: loss of function.
Delayed speech and language development. Also called: Language delay. Identifiers: MedGen C0454644, HP:0000750.
Atypical behavior. Also called: Behavioral disorders; Behavioral abnormality. Identifiers: MedGen C0004941, HP:0000708.
Intellectual disability. Also called: Intellectual functioning disability; intellectual disabilities; Intellectual developmental disorder. Identifiers: MedGen C3714756, MeSH D008607, MONDO:0001071, HP:0001249.

gnomAD v4.1: 1 of 1,612,762 alleles (0.000062%); highest among the groups gnomAD compares: Non-Finnish European, 0.000085%; no homozygotes.

Submissions (2):

GeneDx
Classification: Pathogenic. Last evaluated: 2024-02-28. Review status: criteria provided, single submitter. Criteria: GeneDx Variant Classification Process June 2021. Collection method: clinical testing. Allele origin: germline. Affected: yes.
Comment: Nonsense variant predicted to result in protein truncation or nonsense mediated decay in a gene for which loss of function is a known mechanism of disease; This variant is associated with the following publications: (PMID: 34113008)

Equipe Genetique des Anomalies du Developpement, Université de Bourgogne
Classification: Pathogenic for Global developmental delay; Delayed speech and language development; Atypical behavior; Intellectual disability. Review status: criteria provided, single submitter. Criteria: ACMG Guidelines, 2015. Collection method: clinical testing. Allele origin: unknown. Affected: yes.

Literature cited by the submitters: PubMed 34113008 (cited by Equipe Genetique des Anomalies du Developpement, Université de Bourgogne).

NM_006421.5(ARFGEF1):c.4033C>T (p.Arg1345Ter)

Gene: ARFGEF1 (ARF guanine nucleotide exchange factor 1; minus strand). Cytogenetic location: 8q13.2.
Variant type: single nucleotide variant.
Coding change: c.4033C>T on transcript NM_006421.5 (MANE Select); coding-DNA position 4033, C replaced by T.
Protein change: p.Arg1345Ter; replaces arginine 1345 with a stop codon.
Molecular consequence: nonsense.
Genome position (GRCh38, 1-based): chr8:67,226,067, G>A on the plus strand (C>T on the coding strand, the complement: ARFGEF1 is on the minus strand). VCF-style: chr8-67226067-G-A. GRCh37 (hg19) VCF-style: chr8-68138302-G-A.
Other names: short protein forms R1345*.
Identifiers: ClinVar variation 996321 (VCV000996321.3), dbSNP rs146133956, ClinGen allele CA371196313.